The following is an entry in ClinVar:

ClinVar aggregate classification (germline): Likely benign (0 of 4 stars; one submission).

Conditions:
PHF6-related disorder. Also called: PHF6-related condition.

Submission:

PreventionGenetics, part of Exact Sciences
Classification: Likely benign for PHF6-related condition. Last evaluated: 2022-05-26. Review status: no assertion criteria provided. Collection method: clinical testing. Allele origin: germline.
Comment: This variant is classified as likely benign based on ACMG/AMP sequence variant interpretation guidelines (Richards et al. 2015 PMID: 25741868, with internal and published modifications).

NM_001015877.2(PHF6):c.645C>T (p.Cys215=)

Gene: PHF6 (PHD finger protein 6; plus strand). Cytogenetic location: Xq26.2.
Variant type: single nucleotide variant.
Coding change: c.645C>T on transcript NM_001015877.2 (MANE Select); coding-DNA position 645, C replaced by T.
Protein change: p.Cys215=; no amino-acid change (cysteine 215 retained).
Molecular consequence: synonymous variant.
Genome position (GRCh38, 1-based): chrX:134,413,882, C>T. VCF-style: chrX-134413882-C-T. GRCh37 (hg19) VCF-style: chrX-133547912-C-T.
Other names: c.648C>T, p.Cys216= (NM_032335.3); c.645C>T, p.Cys215= (NM_032458.3).
Identifiers: ClinVar variation 3351335 (VCV003351335.1).